The following is an entry in ClinVar:

ClinVar aggregate classification (germline): Uncertain significance. Review status: criteria provided, multiple submitters, no conflicts (2 of 4 stars). 2 submissions from 2 submitters: Uncertain significance (2). Last evaluated 2025-04-03.

Conditions:
PHGDH deficiency. Identifiers: Orphanet 79351, MedGen C1866174, MONDO:0011152, OMIM 601815.

Allele frequency attached by ClinVar (database versions not stated): TOPMed below 0.00001; gnomAD 0.00001; gnomAD exomes 0.00001.
gnomAD v4.1: 11 of 1,613,888 alleles (0.00068%); highest among the groups gnomAD compares: African/African-American, 0.0013%; no homozygotes.

Submissions (2):

GeneDx
Classification: Uncertain significance. Last evaluated: 2025-04-03. Review status: criteria provided, single submitter. Criteria: GeneDx Variant Classification Process June 2021. Collection method: clinical testing. Allele origin: germline. Affected: yes.
Comment: Not observed at significant frequency in large population cohorts (gnomAD); In silico analysis supports that this missense variant has a deleterious effect on protein structure/function; Has not been previously published as pathogenic or benign to our knowledge

Labcorp Genetics (formerly Invitae), Labcorp
Classification: Uncertain significance for PHGDH deficiency. Last evaluated: 2022-08-24. Review status: criteria provided, single submitter. Criteria: Invitae Variant Classification Sherloc (09022015). Collection method: clinical testing. Allele origin: germline.
Comment: This sequence change replaces glutamic acid, which is acidic and polar, with glutamine, which is neutral and polar, at codon 108 of the PHGDH protein (p.Glu108Gln). This variant is present in population databases (no rsID available, gnomAD 0.01%). This variant has not been reported in the literature in individuals affected with PHGDH-related conditions. Algorithms developed to predict the effect of missense changes on protein structure and function are either unavailable or do not agree on the potential impact of this missense change (SIFT: "Deleterious"; PolyPhen-2: "Probably Damaging"; Align-GVGD: "Class C0"). In summary, the available evidence is currently insufficient to determine the role of this variant in disease. Therefore, it has been classified as a Variant of Uncertain Significance.

NM_006623.4(PHGDH):c.322G>C (p.Glu108Gln)

Gene: PHGDH (phosphoglycerate dehydrogenase; plus strand). Cytogenetic location: 1p12.
Variant type: single nucleotide variant.
Coding change: c.322G>C on transcript NM_006623.4 (MANE Select); coding-DNA position 322, G replaced by C.
Protein change: p.Glu108Gln; replaces glutamic acid 108 with glutamine.
Molecular consequence: missense variant.
Genome position (GRCh38, 1-based): chr1:119,723,407, G>C. VCF-style: chr1-119723407-G-C. GRCh37 (hg19) VCF-style: chr1-120266030-G-C.
Other names: c.322G>C (NM_006623.3); short protein forms E108Q.
Identifiers: ClinVar variation 1934063 (VCV001934063.3), dbSNP rs1483108745, ClinGen allele CA341847439.